The following is an entry in ClinVar:

NM_000051.4(ATM):c.3601T>A (p.Phe1201Ile)

Gene: ATM (ATM serine/threonine kinase; plus strand). Cytogenetic location: 11q22.3.
Variant type: single nucleotide variant.
Coding change: c.3601T>A on transcript NM_000051.4 (MANE Select); coding-DNA position 3601, T replaced by A.
Protein change: p.Phe1201Ile; replaces phenylalanine 1201 with isoleucine.
Molecular consequence: missense variant.
Genome position (GRCh38, 1-based): chr11:108,282,734, T>A. VCF-style: chr11-108282734-T-A. GRCh37 (hg19) VCF-style: chr11-108153461-T-A.
Other names: c.3601T>A, p.Phe1201Ile (NM_001351834.2); short protein forms F1201I.
Identifiers: ClinVar variation 220809 (VCV000220809.40), dbSNP rs576884305, ClinGen allele CA349153.

ClinVar aggregate classification (germline): Conflicting classifications of pathogenicity. Review status: criteria provided, conflicting classifications (1 of 4 stars). 11 submissions from 11 submitters: Uncertain significance (8); Likely benign (1). 2 of the submissions do not count toward it. Last evaluated 2025-12-31.

Conditions:
ATM-related disorder. Also called: ATM-related disorders; ATM-related condition.
Hereditary cancer-predisposing syndrome. Also called: Hereditary Cancer Syndrome; Tumor predisposition; Neoplastic Syndromes, Hereditary; Hereditary neoplastic syndrome. Identifiers: Orphanet 140162, MedGen C0027672, MeSH D009386, MONDO:0015356.
Ataxia-telangiectasia syndrome (AT). Also called: Ataxia telangiectasia (A-T); Cerebello-oculocutaneous telangiectasia; Immunodeficiency with ataxia telangiectasia; Ataxia-telangiectasia; LOUIS-BAR SYNDROME; Ataxia-telangiectasia, complementation group D. Identifiers: Orphanet 100, MedGen C0004135, MONDO:0008840, OMIM 208900.
Familial cancer of breast. Also called: hereditary breast carcinoma; BREAST CANCER, FAMILIAL; Hereditary breast cancer. Identifiers: Orphanet 227535, MedGen C0346153, MONDO:0016419, OMIM 114480. Disease mechanism: loss of function.

Allele frequency attached by ClinVar (database versions not stated): ExAC 0.00002; gnomAD exomes 0.00002; gnomAD 0.00004; TOPMed 0.00005; 1000 Genomes Project 0.00020; 1000 Genomes Project 30x 0.00031.
gnomAD v4.1: 14 of 1,613,416 alleles (0.00087%); highest among the groups gnomAD compares: African/African-American, 0.011%; no homozygotes.

Submissions (11):

Labcorp Genetics (formerly Invitae), Labcorp
Classification: Likely benign for Ataxia-telangiectasia syndrome. Last evaluated: 2025-12-31. Review status: criteria provided, single submitter. Criteria: Invitae Variant Classification Sherloc (09022015). Collection method: clinical testing. Allele origin: germline.

St. Jude Molecular Pathology, St. Jude Children's Research Hospital
Classification: Uncertain significance for Ataxia-telangiectasia syndrome. Last evaluated: 2025-06-17. Review status: criteria provided, single submitter. Criteria: St. Jude Assertion Criteria 2020. Collection method: clinical testing. Allele origin: germline.
Comment: The ATM c.3601T>A p.(Phe1201Ile) missense change has a maximum subpopulation frequency of 0.01% in gnomAD v2.1.1. The in silico tool REVEL is inconclusive about a pathogenic or benign effect of this variant on protein function, and to our knowledge functional studies have not been performed. To our knowledge, this variant has not been reported in individuals with ataxia telangiectasia. In summary, the evidence currently available is insufficient to determine the clinical significance of this variant. It has therefore been classified as of uncertain significance.

Ambry Genetics
Classification: Uncertain significance for Hereditary cancer-predisposing syndrome. Last evaluated: 2025-02-10. Review status: criteria provided, single submitter. Criteria: Ambry Variant Classification Scheme 2023. Collection method: clinical testing. Allele origin: germline.
Comment: The p.F1201I variant (also known as c.3601T>A), located in coding exon 24 of the ATM gene, results from a T to A substitution at nucleotide position 3601. The phenylalanine at codon 1201 is replaced by isoleucine, an amino acid with highly similar properties. This alteration was identified in 1/278 individuals from a cohort of BRCA1/2-negative individuals with early-onset breast cancer via multiplex panel testing of 22 cancer susceptibility genes (Maxwell KN et al. Genet Med, 2015 Aug;17:630-8). This variant was also identified in a cohort of 3,579 African males diagnosed with prostate cancer who underwent multi-gene panel testing of 19 DNA repair and cancer predisposition genes (Matejcic M et al. JCO Precis Oncol, 2020 Jan;4:32-43) and was identified as germline in a cohort of 690 patients with myeloid malignancy (Li ST et al. Leukemia, 2020 Jun;34:1675-1678). This amino acid position is well conserved in available vertebrate species. In addition, this alteration is predicted to be tolerated by in silico analysis. Based on the available evidence, the clinical significance of this variant remains unclear.

Baylor Genetics
Classification: Uncertain significance for Familial cancer of breast. Last evaluated: 2023-09-28. Review status: criteria provided, single submitter. Criteria: ACMG Guidelines, 2015. Collection method: clinical testing. Allele origin: unknown.

Color Diagnostics, LLC DBA Color Health
Classification: Uncertain significance for Hereditary cancer-predisposing syndrome. Last evaluated: 2023-09-07. Review status: criteria provided, single submitter. Criteria: ACMG Guidelines, 2015. Collection method: clinical testing. Allele origin: germline.
Comment: This missense variant replaces phenylalanine with isoleucine at codon 1201 of the ATM protein. Computational prediction suggests that this variant may not impact protein structure and function (internally defined REVEL score threshold <= 0.5, PMID: 27666373). To our knowledge, functional studies have not been reported for this variant. This variant has been reported in individuals affected with breast and prostate cancer in the literature (PMID: 25503501, 32832836). This variant has been identified in 7/282334 chromosomes in the general population by the Genome Aggregation Database (gnomAD). The available evidence is insufficient to determine the role of this variant in disease conclusively. Therefore, this variant is classified as a Variant of Uncertain Significance.

GeneDx
Classification: Uncertain significance. Last evaluated: 2022-12-23. Review status: criteria provided, single submitter. Criteria: GeneDx Variant Classification Process June 2021. Collection method: clinical testing. Allele origin: germline. Affected: yes.
Comment: Not observed at significant frequency in large population cohorts (gnomAD); In silico analysis supports that this missense variant does not alter protein structure/function; Observed in individuals with early-onset breast cancer and acute myeloid leukemia (Lu et al., 2015; Maxwell et al., 2015); This variant is associated with the following publications: (PMID: 19781682, 26689913, 25503501)

Blueprint Genetics
Classification: Uncertain significance. Last evaluated: 2021-11-08. Review status: criteria provided, single submitter. Criteria: ACMG Guidelines, 2015. Collection method: clinical testing. Allele origin: germline.

Fulgent Genetics
Classification: Uncertain significance for Familial cancer of breast; Ataxia-telangiectasia syndrome. Last evaluated: 2021-10-19. Review status: criteria provided, single submitter. Criteria: ACMG Guidelines, 2015. Collection method: clinical testing. Allele origin: unknown.

Eurofins Ntd Llc (ga)
Classification: Uncertain significance. Last evaluated: 2016-08-17. Review status: criteria provided, single submitter. Criteria: EGL Classification Definitions 2015. Collection method: clinical testing. Allele origin: germline. Observed: 1 variant allele, 1 heterozygote.

PreventionGenetics, part of Exact Sciences
Classification: Uncertain significance for ATM-related condition. Last evaluated: 2024-03-18. Review status: no assertion criteria provided. Collection method: clinical testing. Allele origin: germline. Not counted in ClinVar's aggregate classification.
Comment: The ATM c.3601T>A variant is predicted to result in the amino acid substitution p.Phe1201Ile. This variant has been reported in breast cancer and myeloid leukemia cohorts (Supplementary Table 1 in Maxwell et al. 2014. PubMed ID: 25503501; Supplementary Table 5 in Li et al. 2020. PubMed ID: 31911633). It was also documented in an individual from a prostate cancer study; however, affected status was not specified (Supplemental Table 2 in Matejcic et al. 2020. PubMed ID: 32832836). This variant is reported in 0.012% of alleles in individuals of African descent in gnomAD and has conflicting interpretations in ClinVar, ranging from uncertain to likely benign. At this time, the clinical significance of this variant is uncertain due to the absence of conclusive functional and genetic evidence.

Natera, Inc.
Classification: Uncertain significance for Ataxia-telangiectasia. Last evaluated: 2021-02-26. Review status: no assertion criteria provided. Collection method: clinical testing. Allele origin: germline. Not counted in ClinVar's aggregate classification.

Literature cited by the submitters: PubMed 25503501 (cited by Ambry Genetics and Color Diagnostics, LLC DBA Color Health); PubMed 31911633 (cited by Ambry Genetics); PubMed 32832836 (cited by Ambry Genetics and Color Diagnostics, LLC DBA Color Health).